The following is an entry in ClinVar:

NM_000812.4(GABRB1):c.734A>G (p.Tyr245Cys)

Gene: GABRB1 (gamma-aminobutyric acid type A receptor subunit beta1; plus strand). Cytogenetic location: 4p12.
Variant type: single nucleotide variant.
Coding change: c.734A>G on transcript NM_000812.4 (MANE Select); coding-DNA position 734, A replaced by G.
Protein change: p.Tyr245Cys; replaces tyrosine 245 with cysteine.
Molecular consequence: missense variant.
Genome position (GRCh38, 1-based): chr4:47,403,610, A>G. VCF-style: chr4-47403610-A-G. GRCh37 (hg19) VCF-style: chr4-47405627-A-G.
Other names: short protein forms Y245C.
Identifiers: ClinVar variation 2981286 (VCV002981286.3), dbSNP rs1426627760, ClinGen allele CA356810769.
Genomic context (GRCh38, chr4:47,403,610, plus strand): 5'-TCAACTCAGGAGCGTATCCACGACTGTCACTAAGTTTTCGTCTAAAGAGAAACATTGGTT[A>G]CTTCATTTTGCAAACCTACATGCCTTCTACACTGATTACAATTCTGTCCTGGGTGTCTTT-3'
Protein context (NP_000803.2, residues 235-255): LSFRLKRNIG[Tyr245Cys]FILQTYMPST

ClinVar aggregate classification (germline): Uncertain significance (1 of 4 stars; one submission).

Allele frequency attached by ClinVar (database versions not stated): gnomAD exomes below 0.00001; gnomAD 0.00001; TOPMed 0.00002.
gnomAD v4.1: 3 of 1,613,892 alleles (0.00019%); highest among the groups gnomAD compares: Non-Finnish European, 0.00025%; no homozygotes.

Submission:

Labcorp Genetics (formerly Invitae), Labcorp
Classification: Uncertain significance. Last evaluated: 2024-11-16. Review status: criteria provided, single submitter. Criteria: Invitae Variant Classification Sherloc (09022015). Collection method: clinical testing. Allele origin: germline.
Comment: This sequence change replaces tyrosine, which is neutral and polar, with cysteine, which is neutral and slightly polar, at codon 245 of the GABRB1 protein (p.Tyr245Cys). This variant is present in population databases (no rsID available, gnomAD 0.002%). This variant has not been reported in the literature in individuals affected with GABRB1-related conditions. ClinVar contains an entry for this variant (Variation ID: 2981286). Invitae Evidence Modeling of protein sequence and biophysical properties (such as structural, functional, and spatial information, amino acid conservation, physicochemical variation, residue mobility, and thermodynamic stability) indicates that this missense variant is expected to disrupt GABRB1 protein function with a positive predictive value of 80%. In summary, the available evidence is currently insufficient to determine the role of this variant in disease. Therefore, it has been classified as a Variant of Uncertain Significance.